The following is an entry in ClinVar:

ClinVar aggregate classification (germline): Uncertain significance. Review status: criteria provided, multiple submitters, no conflicts (2 of 4 stars). 12 submissions from 8 submitters: Uncertain significance (10). 2 of the submissions do not count toward it. Last evaluated 2023-12-06.

Conditions:
SLC2A1-related disorder. Also called: SLC2A1-related condition; SLC2A1-related disorders.
Hereditary cryohydrocytosis with reduced stomatin. Also called: GLUT1 DEFICIENCY SYNDROME WITH PSEUDOHYPERKALEMIA AND HEMOLYSIS; Stomatin-deficient cryohydrocytosis with neurologic defects. Identifiers: Orphanet 168577, MedGen C1837206, MONDO:0012143, OMIM 608885.
Encephalopathy due to GLUT1 deficiency. Also called: Glucose transporter protein syndrome; GLUT1 deficiency syndrome 1, infantile onset, severe; De Vivo disease; GLUCOSE TRANSPORT DEFECT, BLOOD-BRAIN BARRIER; GLUT1 deficiency syndrome 1; Classic Glucose Transporter Type 1 Deficiency Syndrome. Identifiers: Orphanet 71277, MedGen C4551966, MONDO:0011724, OMIM 606777.
GLUT1 deficiency syndrome 1, autosomal recessive. Identifiers: MedGen C3149117.
Childhood onset GLUT1 deficiency syndrome 2. Also called: GLUT1 deficiency syndrome 2; Paroxysmal exercise-induced dystonia; PxMD-SLC2A1; PAROXYSMAL EXERCISE-INDUCED DYSKINESIA WITH OR WITHOUT EPILEPSY AND/OR HEMOLYTIC ANEMIA; PAROXYSMAL EXERTION-INDUCED DYSTONIA WITH OR WITHOUT EPILEPSY AND/OR HEMOLYTIC ANEMIA; PED WITH OR WITHOUT EPILEPSY AND/OR HEMOLYTIC ANEMIA. Identifiers: Orphanet 98811, MedGen C1842534, MONDO:0012805, OMIM 612126.
Dystonia 9 (DYT9). Also called: CHOREOATHETOSIS, KINESIGENIC, WITH EPISODIC ATAXIA AND SPASTICITY. Identifiers: Orphanet 53583, MedGen C1832855, MONDO:0010983, OMIM 601042.
Epilepsy, idiopathic generalized, susceptibility to, 12 (EIG12). Identifiers: MedGen C3553859, MONDO:0013919, OMIM 614847.

Allele frequency attached by ClinVar (database versions not stated): gnomAD exomes below 0.00001 and 0.00002; gnomAD 0.00001; TOPMed 0.00002.
gnomAD v4.1: 25 of 1,613,992 alleles (0.0015%); highest among the groups gnomAD compares: Non-Finnish European, 0.0021%; no homozygotes.

Submissions (12):

Labcorp Genetics (formerly Invitae), Labcorp
Classification: Uncertain significance for GLUT1 deficiency syndrome 1, autosomal recessive. Last evaluated: 2023-12-06. Review status: criteria provided, single submitter. Criteria: Invitae Variant Classification Sherloc (09022015). Collection method: clinical testing. Allele origin: germline.
Comment: This sequence change replaces cysteine, which is neutral and slightly polar, with glycine, which is neutral and non-polar, at codon 201 of the SLC2A1 protein (p.Cys201Gly). This variant is not present in population databases (gnomAD no frequency). This variant has not been reported in the literature in individuals affected with SLC2A1-related conditions. ClinVar contains an entry for this variant (Variation ID: 828198). Advanced modeling performed at Invitae incorporating data from internal and/or published experimental studies (Invitae) indicates that this missense variant is not expected to disrupt SLC2A1 function with a negative predictive value of 80%. In summary, the available evidence is currently insufficient to determine the role of this variant in disease. Therefore, it has been classified as a Variant of Uncertain Significance.

Genome-Nilou Lab
Classification: Uncertain significance for Epilepsy, idiopathic generalized, susceptibility to, 12. Last evaluated: 2023-04-11. Review status: criteria provided, single submitter. Criteria: ACMG Guidelines, 2015. Collection method: clinical testing. Allele origin: germline. Affected: no.

Genome-Nilou Lab
Classification: Uncertain significance for Dystonia 9. Last evaluated: 2023-04-11. Review status: criteria provided, single submitter. Criteria: ACMG Guidelines, 2015. Collection method: clinical testing. Allele origin: germline. Affected: no.

Genome-Nilou Lab
Classification: Uncertain significance for Encephalopathy due to GLUT1 deficiency. Last evaluated: 2023-04-11. Review status: criteria provided, single submitter. Criteria: ACMG Guidelines, 2015. Collection method: clinical testing. Allele origin: germline. Affected: no.

Genome-Nilou Lab
Classification: Uncertain significance for Childhood onset GLUT1 deficiency syndrome 2. Last evaluated: 2023-04-11. Review status: criteria provided, single submitter. Criteria: ACMG Guidelines, 2015. Collection method: clinical testing. Allele origin: germline. Affected: no.

Genome-Nilou Lab
Classification: Uncertain significance for Hereditary cryohydrocytosis with reduced stomatin. Last evaluated: 2023-04-11. Review status: criteria provided, single submitter. Criteria: ACMG Guidelines, 2015. Collection method: clinical testing. Allele origin: germline. Affected: no.

PreventionGenetics, part of Exact Sciences
Classification: Uncertain significance for SLC2A1-related condition. Last evaluated: 2022-11-29. Review status: criteria provided, single submitter. Criteria: ACMG Guidelines, 2015. Collection method: clinical testing. Allele origin: germline.
Comment: The SLC2A1 c.601T>G variant is predicted to result in the amino acid substitution p.Cys201Gly. To our knowledge, this variant has not been reported in the literature. This variant is reported in 0.00088% of alleles in individuals of European (Non-Finnish) descent in gnomAD. An alternate missense change at the same amino acid position has been reported in individuals affected with SLC2A1 related disorders (Gardiner et al. 2015. PubMed ID: 26598494; Magrinelli et al. 2020. PubMed ID: 32753446). At this time, the clinical significance of this variant is uncertain due to the absence of conclusive functional and genetic evidence.

GeneDx
Classification: Uncertain significance. Last evaluated: 2021-07-22. Review status: criteria provided, single submitter. Criteria: GeneDx Variant Classification Process June 2021. Collection method: clinical testing. Allele origin: germline. Affected: yes.
Comment: Not observed at significant frequency in large population cohorts (Lek et al., 2016); In silico analysis, which includes protein predictors and evolutionary conservation, supports a deleterious effect; Has not been previously published as pathogenic or benign to our knowledge

CeGaT Center for Human Genetics Tuebingen
Classification: Uncertain significance. Last evaluated: 2021-03-01. Review status: criteria provided, single submitter. Criteria: CeGaT Center For Human Genetics Tuebingen Variant Classification Criteria Version 2. Collection method: clinical testing. Allele origin: germline. Affected: yes. Observed: 1 variant allele.

HudsonAlpha Institute for Biotechnology
Classification: Uncertain significance for Childhood onset GLUT1 deficiency syndrome 2. Last evaluated: 2019-10-31. Review status: criteria provided, single submitter. Criteria: ACMG Guidelines, 2015. Collection method: research. Allele origin: unknown. Observed: 1 variant allele. Study: HudsonAlpha-AGHI-WGS.

Clinical Genetics DNA and cytogenetics Diagnostics Lab, Erasmus MC, Erasmus Medical Center
Classification: Uncertain significance. Review status: no assertion criteria provided. Collection method: clinical testing. Allele origin: germline. Affected: yes. Study: VKGL Data-share Consensus. Not counted in ClinVar's aggregate classification.

Laboratory of Diagnostic Genome Analysis, Leiden University Medical Center (LUMC)
Classification: Uncertain significance. Review status: no assertion criteria provided. Collection method: clinical testing. Allele origin: germline. Affected: yes. Study: VKGL Data-share Consensus. Not counted in ClinVar's aggregate classification.

NM_006516.4(SLC2A1):c.601T>G (p.Cys201Gly)

Gene: SLC2A1 (solute carrier family 2 member 1; minus strand). Cytogenetic location: 1p34.2.
Variant type: single nucleotide variant.
Coding change: c.601T>G on transcript NM_006516.4 (MANE Select); coding-DNA position 601, T replaced by G.
Protein change: p.Cys201Gly; replaces cysteine 201 with glycine.
Molecular consequence: missense variant.
Genome position (GRCh38, 1-based): chr1:42,929,951, A>C on the plus strand (T>G on the coding strand, the complement: SLC2A1 is on the minus strand). VCF-style: chr1-42929951-A-C. GRCh37 (hg19) VCF-style: chr1-43395622-A-C.
Other names: short protein forms C201G.
Identifiers: ClinVar variation 828198 (VCV000828198.45), dbSNP rs1050933017, ClinGen allele CA21251449.